The following is an entry in ClinVar:

ClinVar aggregate classification (germline): Uncertain significance (1 of 4 stars; one submission).

Submission:

Ambry Genetics
Classification: Uncertain significance. Last evaluated: 2023-03-06. Review status: criteria provided, single submitter. Criteria: Ambry Variant Classification Scheme 2023. Collection method: clinical testing. Allele origin: germline.
Comment: The p.Q257R variant (also known as c.770A>G), located in coding exon 8 of the BUB1 gene, results from an A to G substitution at nucleotide position 770. The glutamine at codon 257 is replaced by arginine, an amino acid with highly similar properties. This amino acid position is conserved. In addition, this alteration is predicted to be tolerated by in silico analysis. Since supporting evidence is limited at this time, the clinical significance of this alteration remains unclear.

NM_004336.5(BUB1):c.770A>G (p.Gln257Arg)

Gene: BUB1 (BUB1 mitotic checkpoint serine/threonine kinase; minus strand). Cytogenetic location: 2q13.
Variant type: single nucleotide variant.
Coding change: c.770A>G on transcript NM_004336.5 (MANE Select); coding-DNA position 770, A replaced by G.
Protein change: p.Gln257Arg; replaces glutamine 257 with arginine.
Molecular consequence: missense variant.
Genome position (GRCh38, 1-based): chr2:110,667,556, T>C on the plus strand (A>G on the coding strand, the complement: BUB1 is on the minus strand). VCF-style: chr2-110667556-T-C. GRCh37 (hg19) VCF-style: chr2-111425133-T-C.
Other names: c.710A>G, p.Gln237Arg (NM_001278616.2); c.770A>G, p.Gln257Arg (NM_001278617.2); short protein forms Q237R, Q257R.
Identifiers: ClinVar variation 2464983 (VCV002464983.2), dbSNP rs2468028052, ClinGen allele CA348217517.
Genomic context (GRCh38, chr2:110,667,556, plus strand): 5'-ACTAAAAATACAAGATTGCAAGTACCCCATTGCTCATGCTTTCTCCGTTGATTGTATTTC[T>C]GGGCTCTCAATTCTTCAAAGGAAAATTCTGATTCCCCACGAATAAGCTTCTCCTTGCAAT-3'
Protein context (NP_004327.1, residues 247-267): SEFSFEELRA[Gln257Arg]KYNQRRKHEQ